The following continues an entry in ClinVar:

NM_001370259.2(MEN1):c.1243C>T (p.Arg415Ter)

Gene: MEN1. ClinVar aggregate classification (germline): Pathogenic. Pathogenic (14).

Submissions 12 to 14 of 14:

MGZ Medical Genetics Center
Classification: Pathogenic for Multiple endocrine neoplasia, type 1. Last evaluated: 2022-07-22. Review status: criteria provided, single submitter. Criteria: ACMG Guidelines, 2015. Collection method: clinical testing. Allele origin: germline. Affected: yes. Observed: 1 variant allele.
Comment: ACMG criteria applied: PVS1, PS4_MOD, PM2_SUP, PP1

Centre of Medical Genetics, University Hospital Muenster
Classification: Pathogenic for Multiple endocrine neoplasia, type 1. Last evaluated: 2022-02-15. Review status: criteria provided, single submitter. Criteria: ACMG Guidelines, 2015. Collection method: clinical testing. Allele origin: germline. Affected: yes. Observed: 1 variant allele, 1 heterozygote.
Comment: ACMG categories: PVS1,PM2,PP3,PP5

Quest Diagnostics Nichols Institute San Juan Capistrano
Classification: Pathogenic. Last evaluated: 2014-12-19. Review status: criteria provided, single submitter. Criteria: Quest Diagnostics criteria. Collection method: clinical testing. Allele origin: unknown.
Comment: The MEN1 c.1243C>T (p.Arg415*) nonsense variant (also known as c.1258C>T (p.Arg420*)) causes the premature termination of MEN1 protein synthesis. It has not been reported in large, multi-ethnic general populations. In the published literature, the variant has been reported in individuals and families with MEN1 syndrome (PMIDs: 30324798 (2018), 24915123 (2014), 22577108 (2012), 15714081 (2005), 15670192 (2005), 9215690 (1997)), and shown to have deleterious effects on cell cycle arrest (PMID: 24997771 (2014)). Based on the available information, this variant is classified as pathogenic.

Literature cited by the submitters: PubMed 12112656 (cited by 4 submitters); PubMed 17853334 (cited by 3 submitters); PubMed 9215690 (cited by 7 submitters); PubMed 9329390 (cited by 5 submitters); PubMed 11836268 (cited by 4 submitters); PubMed 15670192 (cited by 6 submitters); PubMed 17555499 (cited by 5 submitters); PubMed 20833329 (cited by Labcorp Genetics (formerly Invitae), Labcorp); PubMed 25824098 (cited by 3 submitters); PubMed 10664520 (cited by 4 submitters); PubMed 22026581 (cited by 3 submitters); PubMed 25309785 (cited by 4 submitters); PubMed 28870973 (cited by 3 submitters); PubMed 29036195 (cited by 3 submitters); PubMed 34183184 (cited by 3 submitters); PubMed 15714081 (cited by Ambry Genetics and Quest Diagnostics Nichols Institute San Juan Capistrano); PubMed 17879353 (cited by Ambry Genetics); PubMed 22577108 (cited by Ambry Genetics and Quest Diagnostics Nichols Institute San Juan Capistrano); PubMed 25525159 (cited by Ambry Genetics); PubMed 29497973 (cited by Women's Health and Genetics/Laboratory Corporation of America, LabCorp); PubMed 28298337 (cited by All of Us Research Program, National Institutes of Health and Color Diagnostics, LLC DBA Color Health); PubMed 29927501 (cited by All of Us Research Program, National Institutes of Health and Color Diagnostics, LLC DBA Color Health); PubMed 30324798 (cited by 3 submitters); PubMed 24997771 (cited by Quest Diagnostics Nichols Institute San Juan Capistrano); PubMed 24915123 (cited by Quest Diagnostics Nichols Institute San Juan Capistrano).